The following is an entry in ClinVar:

ClinVar aggregate classification (germline): Uncertain significance (1 of 4 stars; one submission).

Submission:

Labcorp Genetics (formerly Invitae), Labcorp
Classification: Uncertain significance. Last evaluated: 2024-12-15. Review status: criteria provided, single submitter. Criteria: Invitae Variant Classification Sherloc (09022015). Collection method: clinical testing. Allele origin: germline.
Comment: This sequence change falls in intron 10 of the AP3B2 gene. It does not directly change the encoded amino acid sequence of the AP3B2 protein. It affects a nucleotide within the consensus splice site. This variant is not present in population databases (gnomAD no frequency). This variant has not been reported in the literature in individuals affected with AP3B2-related conditions. Variants that disrupt the consensus splice site are a relatively common cause of aberrant splicing (PMID: 17576681, 9536098). Algorithms developed to predict the effect of sequence changes on RNA splicing suggest that this variant may disrupt the consensus splice site. In summary, the available evidence is currently insufficient to determine the role of this variant in disease. Therefore, it has been classified as a Variant of Uncertain Significance.

Literature cited by the submitters: PubMed 17576681; PubMed 9536098.

NM_001278512.2(AP3B2):c.1182+5G>A

Genes: AP3B2 (adaptor related protein complex 3 subunit beta 2; minus strand), CPEB1-AS1 (CPEB1 antisense RNA 1; plus strand). Cytogenetic location: 15q25.2.
Variant type: single nucleotide variant.
Coding change: c.1182+5G>A on transcript NM_001278512.2 (MANE Select); 5 bases into the intron after coding-DNA position 1182, G replaced by A.
Molecular consequence: intron variant.
Genome position (GRCh38, 1-based): chr15:82,679,724, C>T on the plus strand (G>A on the coding strand, the complement: AP3B2 is on the minus strand). VCF-style: chr15-82679724-C-T. GRCh37 (hg19) VCF-style: chr15-83348476-C-T.
Other names: c.1086+5G>A (NM_001278511.2); c.1182+5G>A (NM_004644.5).
Identifiers: ClinVar variation 3727338 (VCV003727338.2).